The following is an entry in ClinVar:

NM_004484.4(GPC3):c.1713G>A (p.Ser571=)

Gene: GPC3 (glypican 3; minus strand). Cytogenetic location: Xq26.2.
Variant type: single nucleotide variant.
Coding change: c.1713G>A on transcript NM_004484.4 (MANE Select); coding-DNA position 1713, G replaced by A.
Protein change: p.Ser571=; no amino-acid change (serine 571 retained).
Molecular consequence: synonymous variant.
Genome position (GRCh38, 1-based): chrX:133,536,154, C>T on the plus strand (G>A on the coding strand, the complement: GPC3 is on the minus strand). VCF-style: chrX-133536154-C-T. GRCh37 (hg19) VCF-style: chrX-132670182-C-T.
Other names: c.1782G>A, p.Ser594= (NM_001164617.2); c.1665G>A, p.Ser555= (NM_001164618.2); c.1551G>A, p.Ser517= (NM_001164619.2).
Identifiers: ClinVar variation 543100 (VCV000543100.14), dbSNP rs149209315, ClinGen allele CA10520629.
Genomic context (GRCh38, chrX:133,536,154, plus strand): 5'-AGGGCAGCACATGTGCTGGGCACCAGGCAGTCAGTGCACCAGGAAGAAGAAGCACACCAC[C>T]GAGATGGCCATGCTGGTGAGAAGCTTCAGCGGGGAATGAACGTTCCCGAGGTTGTGAAAG-3'
Protein context (NP_004475.1, residues 561-580): PLKLLTSMAI[Ser571=]VVCFFFLVH

ClinVar aggregate classification (germline): Likely benign. Review status: criteria provided, single submitter (1 of 4 stars). 2 submissions from 2 submitters: Likely benign (1). 1 of the submissions does not count toward it. Last evaluated 2026-02-01.

Conditions:
Wilms tumor 1 (WT1). Also called: Wilms tumor, somatic. Identifiers: Orphanet 654, MedGen CN033288, MONDO:0008679, OMIM 194070.
GPC3-related disorder. Also called: GPC3-related condition.

Allele frequency attached by ClinVar (database versions not stated): gnomAD exomes 0.00002 and 0.00006; ExAC 0.00010; TOPMed 0.00019; gnomAD 0.00021 and 0.00024; ESP Exome Variant Server 0.00038.
gnomAD v4.1: 48 of 1,205,669 alleles (0.004%); highest among the groups gnomAD compares: African/African-American, 0.076%; no homozygotes.

Submissions (2):

Labcorp Genetics (formerly Invitae), Labcorp
Classification: Likely benign for Wilms tumor 1. Last evaluated: 2026-02-01. Review status: criteria provided, single submitter. Criteria: Invitae Variant Classification Sherloc (09022015). Collection method: clinical testing. Allele origin: germline.

PreventionGenetics, part of Exact Sciences
Classification: Likely benign for GPC3-related condition. Last evaluated: 2019-08-09. Review status: no assertion criteria provided. Collection method: clinical testing. Allele origin: germline. Not counted in ClinVar's aggregate classification.
Comment: This variant is classified as likely benign based on ACMG/AMP sequence variant interpretation guidelines (Richards et al. 2015 PMID: 25741868, with internal and published modifications).